The following is an entry in ClinVar:

NM_000016.6(ACADM):c.653C>G (p.Ala218Gly)

Gene: ACADM (acyl-CoA dehydrogenase medium chain; plus strand). Cytogenetic location: 1p31.1.
Variant type: single nucleotide variant.
Coding change: c.653C>G on transcript NM_000016.6 (MANE Select); coding-DNA position 653, C replaced by G.
Protein change: p.Ala218Gly; replaces alanine 218 with glycine.
Molecular consequence: missense variant.
Genome position (GRCh38, 1-based): chr1:75,745,859, C>G. VCF-style: chr1-75745859-C-G. GRCh37 (hg19) VCF-style: chr1-76211544-C-G.
Other names: c.653C>G (NM_000016.5); c.665C>G, p.Ala222Gly (NM_001127328.3); c.545C>G, p.Ala182Gly (NM_001286042.2); c.752C>G, p.Ala251Gly (NM_001286043.2); c.86C>G, p.Ala29Gly (NM_001286044.2); short protein forms A222G, A251G, A29G, A182G, A218G.
Identifiers: ClinVar variation 1404546 (VCV001404546.28), dbSNP rs764268346, ClinGen allele CA913165.

ClinVar aggregate classification (germline): Conflicting classifications of pathogenicity. Review status: criteria provided, conflicting classifications (1 of 4 stars). 7 submissions from 7 submitters: Pathogenic (2); Likely pathogenic (4); Uncertain significance (1). Last evaluated 2026-01-03.

Conditions:
Medium-chain acyl-coenzyme A dehydrogenase deficiency (ACADMD). Also called: Medium chain acyl-CoA dehydrogenase deficiency; ACADM DEFICIENCY; CARNITINE DEFICIENCY SECONDARY TO MEDIUM-CHAIN ACYL-CoA DEHYDROGENASE DEFICIENCY; MCADH DEFICIENCY; MCADD; MCAD Deficiency. Identifiers: Orphanet 42, MedGen C0220710, MONDO:0008721, OMIM 201450.

Allele frequency attached by ClinVar (database versions not stated): gnomAD 0.00002; TOPMed 0.00003.
gnomAD v4.1: 23 of 1,613,684 alleles (0.0014%); highest among the groups gnomAD compares: Middle Eastern, 0.016%; no homozygotes.

Submissions (7):

Labcorp Genetics (formerly Invitae), Labcorp
Classification: Pathogenic for Medium-chain acyl-coenzyme A dehydrogenase deficiency. Last evaluated: 2026-01-03. Review status: criteria provided, single submitter. Criteria: Invitae Variant Classification Sherloc (09022015). Collection method: clinical testing. Allele origin: germline.
Comment: This sequence change replaces alanine, which is neutral and non-polar, with glycine, which is neutral and non-polar, at codon 218 of the ACADM protein (p.Ala218Gly). This variant is present in population databases (rs764268346, gnomAD 0.01%). This missense change has been observed in individual(s) with medium-chain acyl-coenzyme A dehydrogenase deficiency (PMID: 23842438, 31012112, 33580884). ClinVar contains an entry for this variant (Variation ID: 1404546). Invitae Evidence Modeling of protein sequence and biophysical properties (such as structural, functional, and spatial information, amino acid conservation, physicochemical variation, residue mobility, and thermodynamic stability) indicates that this missense variant is not expected to disrupt ACADM protein function with a negative predictive value of 80%. For these reasons, this variant has been classified as Pathogenic.

Natera, Inc.
Classification: Likely pathogenic for Medium Chain Acyl-CoA Dehydrogenase Deficiency. Last evaluated: 2025-09-08. Review status: criteria provided, single submitter. Criteria: Natera Variant Classification Schema (03/2026). Collection method: clinical testing. Allele origin: germline.
Comment: The c.653C>G variant in ACADM is a missense variant predicted to cause substitution of alanine to glycine at amino acid 218. This variant is rare in the general population with a frequency below the threshold expected for the associated phenotype(s). This variant has been observed in one or more individuals affected with the associated recessive disease, as either homozygous or compound heterozygous with a second variant (PMID: 23842438, 31012112, 33580884, 40700042). Given the available evidence, this variant is classified as Likely Pathogenic.

CeGaT Center for Human Genetics Tuebingen
Classification: Pathogenic. Last evaluated: 2024-08-01. Review status: criteria provided, single submitter. Criteria: CeGaT Center For Human Genetics Tuebingen Variant Classification Criteria Version 2. Collection method: clinical testing. Allele origin: germline. Affected: yes. Observed: 1 variant allele.
Comment: ACADM: PM1, PM2, PM3, PM5, PP4:Moderate

Blueprint Genetics
Classification: Uncertain significance. Last evaluated: 2024-07-22. Review status: criteria provided, single submitter. Criteria: ACMG Guidelines, 2015. Collection method: clinical testing. Allele origin: germline.

Department of Human Genetics, Hannover Medical School
Classification: Likely pathogenic for Medium-chain acyl-coenzyme A dehydrogenase deficiency. Last evaluated: 2024-07-22. Review status: criteria provided, single submitter. Criteria: ACMG Guidelines, 2015. Collection method: clinical testing. Allele origin: germline. Affected: yes.

Fulgent Genetics
Classification: Likely pathogenic for Medium-chain acyl-coenzyme A dehydrogenase deficiency. Last evaluated: 2024-04-22. Review status: criteria provided, single submitter. Criteria: ACMG Guidelines, 2015. Collection method: clinical testing. Allele origin: germline.

Baylor Genetics
Classification: Likely pathogenic for Medium-chain acyl-coenzyme A dehydrogenase deficiency. Last evaluated: 2024-02-08. Review status: criteria provided, single submitter. Criteria: ACMG Guidelines, 2015. Collection method: clinical testing. Allele origin: unknown.

Literature cited by the submitters: PubMed 23842438 (cited by Labcorp Genetics (formerly Invitae), Labcorp and Natera, Inc.); PubMed 31012112 (cited by Labcorp Genetics (formerly Invitae), Labcorp and Natera, Inc.); PubMed 33580884 (cited by Labcorp Genetics (formerly Invitae), Labcorp and Natera, Inc.); PubMed 40700042 (cited by Natera, Inc.).